The following is an entry in ClinVar:

NM_182476.3(COQ6):c.1383del (p.Ile462fs)

Genes: COQ6 (coenzyme Q6, monooxygenase; plus strand), ENTPD5 (ectonucleoside triphosphate diphosphohydrolase 5; minus strand). Cytogenetic location: 14q24.3.
Variant type: Deletion.
Coding change: c.1383del on transcript NM_182476.3 (MANE Select); coding-DNA position 1383, one base deleted (G; older notation c.1383delG).
Protein change: p.Ile462fs; shifts the reading frame from isoleucine 462.
Molecular consequence: frameshift variant. On other transcripts: splice acceptor variant (1), intron variant (6).
Genome position (GRCh38, 1-based): chr14:73,962,975, G deleted. VCF-style (leftmost placement, unchanged base first): chr14-73962974-AG-A. GRCh37 (hg19) VCF-style: chr14-74429677-AG-A.
Other names: Gln461fsTer478; c.1218del, p.Ile407fs (NM_001425257.1); c.1200del, p.Ile401fs (NM_001425258.1); c.1158del, p.Ile387fs (NM_001425259.1, NM_001425260.1); c.1128del, p.Ile377fs (NM_001425262.1); c.1056del, p.Ile353fs (NM_001425263.1); c.843del, p.Ile282fs (NM_001425264.1, NM_001425265.1); c.1308del, p.Ile437fs (NM_182480.3); and 6 more; short protein forms I437fs, I462fs, D406fs, I282fs, I353fs, I377fs, I387fs, I401fs.
Identifiers: ClinVar variation 375345 (VCV000375345.9), dbSNP rs1057519352, ClinGen allele CA16044192.

ClinVar aggregate classification (germline): Uncertain significance. Review status: criteria provided, single submitter (1 of 4 stars). 3 submissions from 3 submitters: Uncertain significance (1). 2 of the submissions do not count toward it. Last evaluated 2022-07-12.

Conditions:
Familial steroid-resistant nephrotic syndrome with sensorineural deafness. Identifiers: Orphanet 280406, MedGen C3553349, MONDO:0013836, OMIM 614650.

Submissions (3):

Labcorp Genetics (formerly Invitae), Labcorp
Classification: Uncertain significance. Last evaluated: 2022-07-12. Review status: criteria provided, single submitter. Criteria: Invitae Variant Classification Sherloc (09022015). Collection method: clinical testing. Allele origin: germline.
Comment: This sequence change results in a frameshift in the COQ6 gene (p.Ile462Leufs*18). While this is not anticipated to result in nonsense mediated decay, it is expected to disrupt the last 7 amino acid(s) of the COQ6 protein and extend the protein by 10 additional amino acid residues. This variant is not present in population databases (gnomAD no frequency). In summary, the available evidence is currently insufficient to determine the role of this variant in disease. Therefore, it has been classified as a Variant of Uncertain Significance. Algorithms developed to predict the effect of sequence changes on RNA splicing suggest that this variant may disrupt the consensus splice site. Experimental studies have shown that this frameshift affects COQ6 function (PMID: 24140869). Algorithms developed to predict the effect of variants on protein structure and function are not available or were not evaluated for this variant. ClinVar contains an entry for this variant (Variation ID: 375345). This frameshift has been observed in individual(s) with COQ6-related conditions (PMID: 21540551).

OMIM
Classification: Pathogenic for COENZYME Q10 DEFICIENCY, PRIMARY, 6. Last evaluated: 2011-05-01. Review status: no assertion criteria provided. Collection method: literature only. Allele origin: germline. Not counted in ClinVar's aggregate classification.

GeneReviews
No classification provided. Condition: Familial steroid-resistant nephrotic syndrome with sensorineural deafness. Review status: no classification provided. Collection method: literature only. Allele origin: germline. Not counted in ClinVar's aggregate classification.

Literature cited by the submitters: PubMed 24140869 (cited by Labcorp Genetics (formerly Invitae), Labcorp); PubMed 21540551 (cited by 3 submitters); NCBI Bookshelf NBK410087 (cited by GeneReviews).